The following is an entry in ClinVar:

NM_001130823.3(DNMT1):c.3466C>T (p.Arg1156Trp)

Gene: DNMT1 (DNA methyltransferase 1; minus strand). Cytogenetic location: 19p13.2.
Variant type: single nucleotide variant.
Coding change: c.3466C>T on transcript NM_001130823.3 (MANE Select); coding-DNA position 3466, C replaced by T.
Protein change: p.Arg1156Trp; replaces arginine 1156 with tryptophan.
Molecular consequence: missense variant.
Genome position (GRCh38, 1-based): chr19:10,140,838, G>A on the plus strand (C>T on the coding strand, the complement: DNMT1 is on the minus strand). VCF-style: chr19-10140838-G-A. GRCh37 (hg19) VCF-style: chr19-10251514-G-A.
Other names: c.3418C>T, p.Arg1140Trp (NM_001318730.2, NM_001379.4); c.3103C>T, p.Arg1035Trp (NM_001318731.2); short protein forms R1035W, R1156W, R1140W.
Identifiers: ClinVar variation 1953803 (VCV001953803.5), dbSNP rs2089586886, ClinGen allele CA403973435.
Genomic context (GRCh38, chr19:10,140,838, plus strand): 5'-CACCTGCTTGGTGGAATCCCTCCGACAACCCCCCGCAGCCAGAAAACACATCCAGGGTCC[G>A]CAGCTTGGGCAGCTTGATCTCTATCTCTGGCTCGCTCGGCTCACAGGCTTGGGACTTGGG-3'
Protein context (NP_001124295.1, residues 1146-1166): PEIEIKLPKL[Arg1156Trp]TLDVFSGCGG

ClinVar aggregate classification (germline): Uncertain significance (1 of 4 stars; one submission).

Conditions:
Hereditary sensory neuropathy-deafness-dementia syndrome. Also called: Hereditary sensory neuropathy type IE; HSN IE; NEUROPATHY, HEREDITARY SENSORY, WITH HEARING LOSS AND DEMENTIA; Hereditary Sensory and Autonomic Neuropathy Type 1E (HSAN1E). Identifiers: Orphanet 456318, MedGen C3279885, MONDO:0013584, OMIM 614116.

Allele frequency attached by ClinVar (database versions not stated): gnomAD exomes below 0.00001.
gnomAD v4.1: 5 of 1,614,162 alleles (0.00031%); highest among the groups gnomAD compares: Non-Finnish European, 0.00034%; no homozygotes.

Submission:

Labcorp Genetics (formerly Invitae), Labcorp
Classification: Uncertain significance for Hereditary sensory neuropathy-deafness-dementia syndrome. Last evaluated: 2022-01-03. Review status: criteria provided, single submitter. Criteria: Invitae Variant Classification Sherloc (09022015). Collection method: clinical testing. Allele origin: germline.
Comment: In summary, the available evidence is currently insufficient to determine the role of this variant in disease. Therefore, it has been classified as a Variant of Uncertain Significance. Algorithms developed to predict the effect of missense changes on protein structure and function are either unavailable or do not agree on the potential impact of this missense change (SIFT: "Deleterious"; PolyPhen-2: "Probably Damaging"; Align-GVGD: "Class C0"). This variant has not been reported in the literature in individuals affected with DNMT1-related conditions. This variant is not present in population databases (gnomAD no frequency). This sequence change replaces arginine, which is basic and polar, with tryptophan, which is neutral and slightly polar, at codon 1156 of the DNMT1 protein (p.Arg1156Trp).